The following is an entry in ClinVar:

NM_198253.3(TERT):c.1841C>A (p.Pro614His)

Gene: TERT (telomerase reverse transcriptase; minus strand). Cytogenetic location: 5p15.33.
Variant type: single nucleotide variant.
Coding change: c.1841C>A on transcript NM_198253.3 (MANE Select); coding-DNA position 1841, C replaced by A.
Protein change: p.Pro614His; replaces proline 614 with histidine.
Molecular consequence: missense variant. On other transcripts: non-coding transcript variant (2).
Genome position (GRCh38, 1-based): chr5:1,280,267, G>T on the plus strand (C>A on the coding strand, the complement: TERT is on the minus strand). VCF-style: chr5-1280267-G-T. GRCh37 (hg19) VCF-style: chr5-1280382-G-T.
Other names: c.1841C>A, p.Pro614His (NM_001193376.3); short protein forms P614H.
Identifiers: ClinVar variation 854357 (VCV000854357.10), dbSNP rs1749931485, ClinGen allele CA359081811.

ClinVar aggregate classification (germline): Uncertain significance. Review status: criteria provided, multiple submitters, no conflicts (2 of 4 stars). 2 submissions from 2 submitters: Uncertain significance (2). Last evaluated 2026-01-05.

Conditions:
Dyskeratosis congenita. Identifiers: Orphanet 1775, MedGen C0265965, MONDO:0015780.
Idiopathic Pulmonary Fibrosis. Also called: Idiopathic fibrosing alveolitis, chronic form; idiopathic fibrosing alveolitis. Identifiers: Orphanet 2032, MedGen C1800706, MeSH D054990, MONDO:0800504.
Dyskeratosis congenita, autosomal dominant 2. Identifiers: MedGen C3151443, MONDO:0013521, OMIM 613989.

Allele frequency attached by ClinVar (database versions not stated): gnomAD exomes below 0.00001.
gnomAD v4.1: 2 of 1,613,740 alleles (0.00012%); highest among the groups gnomAD compares: Non-Finnish European, 0.00017%; no homozygotes.

Submissions (2):

Labcorp Genetics (formerly Invitae), Labcorp
Classification: Uncertain significance for Dyskeratosis congenita, autosomal dominant 2; Idiopathic Pulmonary Fibrosis. Last evaluated: 2026-01-05. Review status: criteria provided, single submitter. Criteria: Invitae Variant Classification Sherloc (09022015). Collection method: clinical testing. Allele origin: germline.
Comment: This sequence change replaces proline, which is neutral and non-polar, with histidine, which is basic and polar, at codon 614 of the TERT protein (p.Pro614His). This variant is not present in population databases (gnomAD no frequency). This variant has not been reported in the literature in individuals affected with TERT-related conditions. ClinVar contains an entry for this variant (Variation ID: 854357). An algorithm developed to predict the effect of missense changes on protein structure and function outputs the following: PolyPhen-2: "Benign". The histidine amino acid residue is found in multiple mammalian species, which suggests that this missense change does not adversely affect protein function. In summary, the available evidence is currently insufficient to determine the role of this variant in disease. Therefore, it has been classified as a Variant of Uncertain Significance.

Ambry Genetics
Classification: Uncertain significance for Dyskeratosis congenita. Last evaluated: 2022-01-26. Review status: criteria provided, single submitter. Criteria: Ambry Variant Classification Scheme 2023. Collection method: clinical testing. Allele origin: germline.
Comment: The p.P614H variant (also known as c.1841C>A), located in coding exon 4 of the TERT gene, results from a C to A substitution at nucleotide position 1841. The proline at codon 614 is replaced by histidine, an amino acid with similar properties. This amino acid position is conserved. In addition, the in silico prediction for this alteration is inconclusive. Since supporting evidence is limited at this time, the clinical significance of this alteration remains unclear.